The following is an entry in ClinVar:

ClinVar aggregate classification (germline): Uncertain significance. Review status: criteria provided, multiple submitters, no conflicts (2 of 4 stars). 3 submissions from 3 submitters: Uncertain significance (3). Last evaluated 2026-07-13.

Conditions:
Gastrointestinal stromal tumor. Also called: Gastrointestinal stromal tumor, somatic; Gastrointestinal stroma tumor. Identifiers: Orphanet 44890, MedGen C0238198, MeSH D046152, MONDO:0011719, OMIM 606764, HP:0100723.
Hereditary cancer-predisposing syndrome. Also called: Hereditary Cancer Syndrome; Tumor predisposition; Neoplastic Syndromes, Hereditary; Hereditary neoplastic syndrome. Identifiers: Orphanet 140162, MedGen C0027672, MeSH D009386, MONDO:0015356.

Submissions (3):

Ambry Genetics
Classification: Uncertain significance for Hereditary cancer-predisposing syndrome. Last evaluated: 2026-07-13. Review status: criteria provided, single submitter. Criteria: Ambry Variant Classification Scheme 2023. Collection method: clinical testing. Allele origin: germline.
Comment: The p.L625F variant (also known as c.1873C>T), located in coding exon 12 of the KIT gene, results from a C to T substitution at nucleotide position 1873. The leucine at codon 625 is replaced by phenylalanine, an amino acid with highly similar properties. This amino acid position is conserved. In addition, this alteration is predicted to be deleterious by in silico analysis. Based on the available evidence, the clinical significance of this variant remains unclear.

GeneDx
Classification: Uncertain significance. Last evaluated: 2025-02-26. Review status: criteria provided, single submitter. Criteria: GeneDx Variant Classification Process June 2021. Collection method: clinical testing. Allele origin: germline. Affected: yes.
Comment: Not observed at significant frequency in large population cohorts (gnomAD); In silico analysis supports that this missense variant has a deleterious effect on protein structure/function; Has not been previously published as pathogenic or benign to our knowledge

Labcorp Genetics (formerly Invitae), Labcorp
Classification: Uncertain significance for Gastrointestinal stromal tumor. Last evaluated: 2021-08-09. Review status: criteria provided, single submitter. Criteria: Invitae Variant Classification Sherloc (09022015). Collection method: clinical testing. Allele origin: germline.
Comment: This sequence change replaces leucine with phenylalanine at codon 625 of the KIT protein (p.Leu625Phe). The leucine residue is highly conserved and there is a small physicochemical difference between leucine and phenylalanine. This variant is not present in population databases (ExAC no frequency). This variant has not been reported in the literature in individuals with KIT-related conditions. Algorithms developed to predict the effect of missense changes on protein structure and function are either unavailable or do not agree on the potential impact of this missense change (SIFT: "Deleterious"; PolyPhen-2: "Probably Damaging"; Align-GVGD: "Class C15"). In summary, the available evidence is currently insufficient to determine the role of this variant in disease. Therefore, it has been classified as a Variant of Uncertain Significance.

NM_000222.3(KIT):c.1873C>T (p.Leu625Phe)

Gene: KIT (KIT proto-oncogene, receptor tyrosine kinase; plus strand). Cytogenetic location: 4q12.
Variant type: single nucleotide variant.
Coding change: c.1873C>T on transcript NM_000222.3 (MANE Select); coding-DNA position 1873, C replaced by T.
Protein change: p.Leu625Phe; replaces leucine 625 with phenylalanine.
Molecular consequence: missense variant.
Genome position (GRCh38, 1-based): chr4:54,727,921, C>T. VCF-style: chr4-54727921-C-T. GRCh37 (hg19) VCF-style: chr4-55594087-C-T.
Other names: c.1861C>T, p.Leu621Phe (NM_001093772.2, NM_001385286.1); c.1876C>T, p.Leu626Phe (NM_001385284.1, NM_001385290.1); c.1873C>T, p.Leu625Phe (NM_001385285.1); c.1864C>T, p.Leu622Phe (NM_001385288.1, NM_001385292.1); c.1873C>T (NM_000222.2); short protein forms L621F, L622F, L625F, L626F.
Identifiers: ClinVar variation 1506148 (VCV001506148.10), dbSNP rs2109780295, ClinGen allele CA356908270.